The following is an entry in ClinVar:

ClinVar aggregate classification (germline): Uncertain significance (1 of 4 stars; one submission).

Submission:

Labcorp Genetics (formerly Invitae), Labcorp
Classification: Uncertain significance. Last evaluated: 2021-12-06. Review status: criteria provided, single submitter. Criteria: Invitae Variant Classification Sherloc (09022015). Collection method: clinical testing. Allele origin: germline.
Comment: In summary, the available evidence is currently insufficient to determine the role of this variant in disease. Therefore, it has been classified as a Variant of Uncertain Significance. Variants that disrupt the consensus splice site are a relatively common cause of aberrant splicing (PMID: 17576681, 9536098). Algorithms developed to predict the effect of sequence changes on RNA splicing suggest that this variant may disrupt the consensus splice site. This variant has not been reported in the literature in individuals affected with COL4A5-related conditions. This variant is not present in population databases (gnomAD no frequency). This sequence change falls in intron 9 of the COL4A5 gene. It does not directly change the encoded amino acid sequence of the COL4A5 protein. It affects a nucleotide within the consensus splice site.

Literature cited by the submitters: PubMed 17576681; PubMed 9536098.

NM_033380.3(COL4A5):c.546+6T>A

Gene: COL4A5 (collagen type IV alpha 5 chain; plus strand). Cytogenetic location: Xq22.3.
Variant type: single nucleotide variant.
Coding change: c.546+6T>A on transcript NM_033380.3 (MANE Select); 6 bases into the intron after coding-DNA position 546, T replaced by A.
Molecular consequence: intron variant.
Genome position (GRCh38, 1-based): chrX:108,573,660, T>A. VCF-style: chrX-108573660-T-A. GRCh37 (hg19) VCF-style: chrX-107816890-T-A.
Other names: c.546+6T>A (NM_000495.5).
Identifiers: ClinVar variation 1382948 (VCV001382948.6), dbSNP rs2147759554, ClinGen allele CA2573159175.
Genomic context (GRCh38, chrX:108,573,660, plus strand): 5'-ATCACTGCCAGGACCAAAGGGTAATCCAGGATATCCAGGTCCTCCTGGAATACAAGTAAG[T>A]ATCCAGTGATTTTCTTTTTTTGCTATATTGATTAAACCAGAAGATTACAACAATCCCTCA-3'